The following is an entry in ClinVar:

ClinVar aggregate classification (germline): Pathogenic/Likely pathogenic. Review status: criteria provided, multiple submitters, no conflicts (2 of 4 stars). 2 submissions from 2 submitters: Pathogenic (1); Likely pathogenic (1). Last evaluated 2026-02-02.

Submissions (2):

GeneDx
Classification: Likely pathogenic. Last evaluated: 2026-02-02. Review status: criteria provided, single submitter. Criteria: GeneDx Variant Classification Process June 2021. Collection method: clinical testing. Allele origin: germline.
Comment: Frameshift variant predicted to result in protein truncation or nonsense mediated decay in a gene for which loss of function is a known mechanism of disease; Has not been previously published as pathogenic or benign to our knowledge

Labcorp Genetics (formerly Invitae), Labcorp
Classification: Pathogenic. Last evaluated: 2025-11-08. Review status: criteria provided, single submitter. Criteria: Invitae Variant Classification Sherloc (09022015). Collection method: clinical testing. Allele origin: germline.
Comment: This sequence change creates a premature translational stop signal (p.Gly35Argfs*15) in the COL9A3 gene. It is expected to result in an absent or disrupted protein product. Loss-of-function variants in COL9A3 are known to be pathogenic (PMID: 24273071, 31090205). The frequency data for this variant in the population databases is considered unreliable, as metrics indicate poor data quality at this position in the gnomAD database. This variant has not been reported in the literature in individuals affected with COL9A3-related conditions. ClinVar contains an entry for this variant (Variation ID: 1467909). For these reasons, this variant has been classified as Pathogenic.

Literature cited by the submitters: PubMed 24273071 (cited by Labcorp Genetics (formerly Invitae), Labcorp); PubMed 31090205 (cited by Labcorp Genetics (formerly Invitae), Labcorp).

NM_001853.4(COL9A3):c.102dup (p.Gly35fs)

Gene: COL9A3 (collagen type IX alpha 3 chain; plus strand). Cytogenetic location: 20q13.33.
Variant type: Duplication.
Coding change: c.102dup on transcript NM_001853.4 (MANE Select); coding-DNA position 102, one base duplicated (C; older notation c.102dupC).
Protein change: p.Gly35fs; shifts the reading frame from glycine 35.
Molecular consequence: frameshift variant.
Genome position (GRCh38, 1-based): chr20:62,817,590, C duplicated; the last of 7 consecutive C bases (chr20:62,817,584-62,817,590); duplicating any one gives the same sequence. VCF-style (leftmost placement, unchanged base first): chr20-62817583-G-GC. GRCh37 (hg19) VCF-style: chr20-61448935-G-GC.
Other names: c.102dup (NM_001853.3); short protein forms G35fs.
Identifiers: ClinVar variation 1467909 (VCV001467909.7), dbSNP rs766668875, ClinGen allele CA9949000.